The following is an entry in ClinVar:

ClinVar aggregate classification (germline): Uncertain significance (1 of 4 stars; one submission).

Conditions:
Combined immunodeficiency due to OX40 deficiency. Also called: Immunodeficiency 16; OX40 DEFICIENCY. Identifiers: Orphanet 431149, MedGen C3810053, MONDO:0014268, OMIM 615593.

Submission:

Labcorp Genetics (formerly Invitae), Labcorp
Classification: Uncertain significance for Combined immunodeficiency due to OX40 deficiency. Last evaluated: 2020-09-15. Review status: criteria provided, single submitter. Criteria: Invitae Variant Classification Sherloc (09022015). Collection method: clinical testing. Allele origin: germline.
Comment: In summary, the available evidence is currently insufficient to determine the role of this variant in disease. Therefore, it has been classified as a Variant of Uncertain Significance. Algorithms developed to predict the effect of missense changes on protein structure and function output the following: SIFT: "Tolerated"; PolyPhen-2: "Benign"; Align-GVGD: "Class C0". The proline amino acid residue is found in multiple mammalian species, suggesting that this missense change does not adversely affect protein function. These predictions have not been confirmed by published functional studies and their clinical significance is uncertain. This variant has not been reported in the literature in individuals with TNFRSF4-related conditions. The frequency data for this variant in the population databases is considered unreliable, as metrics indicate insufficient coverage at this position in the ExAC database. This sequence change replaces arginine with proline at codon 213 of the TNFRSF4 protein (p.Arg213Pro). The arginine residue is weakly conserved and there is a moderate physicochemical difference between arginine and proline.

NM_003327.4(TNFRSF4):c.638G>C (p.Arg213Pro)

Gene: TNFRSF4 (TNF receptor superfamily member 4; minus strand). Cytogenetic location: 1p36.33.
Variant type: single nucleotide variant.
Coding change: c.638G>C on transcript NM_003327.4 (MANE Select); coding-DNA position 638, G replaced by C.
Protein change: p.Arg213Pro; replaces arginine 213 with proline.
Molecular consequence: missense variant.
Genome position (GRCh38, 1-based): chr1:1,211,829, C>G on the plus strand (G>C on the coding strand, the complement: TNFRSF4 is on the minus strand). VCF-style: chr1-1211829-C-G. GRCh37 (hg19) VCF-style: chr1-1147209-C-G.
Other names: short protein forms R213P.
Identifiers: ClinVar variation 1061258 (VCV001061258.9), dbSNP rs1402575779, ClinGen allele CA337798831.